The following is an entry in ClinVar:

NM_181078.3(IL21R):c.467A>G (p.Tyr156Cys)

Gene: IL21R (interleukin 21 receptor; plus strand). Cytogenetic location: 16p12.1.
Variant type: single nucleotide variant.
Coding change: c.467A>G on transcript NM_181078.3 (MANE Select); coding-DNA position 467, A replaced by G.
Protein change: p.Tyr156Cys; replaces tyrosine 156 with cysteine.
Molecular consequence: missense variant.
Genome position (GRCh38, 1-based): chr16:27,443,076, A>G. VCF-style: chr16-27443076-A-G. GRCh37 (hg19) VCF-style: chr16-27454397-A-G.
Other names: c.467A>G, p.Tyr156Cys (NM_021798.4); c.533A>G, p.Tyr178Cys (NM_181079.5); short protein forms Y178C, Y156C.
Identifiers: ClinVar variation 225007 (VCV000225007.13), dbSNP rs745372589, ClinGen allele CA358175.

ClinVar aggregate classification (germline): Uncertain significance. Review status: criteria provided, multiple submitters, no conflicts (2 of 4 stars). 4 submissions from 4 submitters: Uncertain significance (4). Last evaluated 2024-07-04.

Conditions:
Inborn genetic diseases. Identifiers: MedGen C0950123, MeSH D030342.
Cryptosporidiosis-chronic cholangitis-liver disease syndrome. Also called: IL21R immunodeficiency; Immunodeficiency type 56. Identifiers: Orphanet 357329, MedGen C3554687, MONDO:0014082, OMIM 615207.

Allele frequency attached by ClinVar (database versions not stated): ExAC 0.00001; gnomAD exomes 0.00004 and 0.00029; TOPMed 0.00009; gnomAD 0.00010 and 0.00011.
gnomAD v4.1: 422 of 1,613,904 alleles (0.026%); highest among the groups gnomAD compares: Non-Finnish European, 0.035%; no homozygotes.

Submissions (4):

GeneDx
Classification: Uncertain significance. Last evaluated: 2024-07-04. Review status: criteria provided, single submitter. Criteria: GeneDx Variant Classification Process June 2021. Collection method: clinical testing. Allele origin: germline. Affected: yes.
Comment: Identified with a second IL21R variant in a patient with an immune phenotype, although further clinical information and variant segregation data were not provided (PMID: 27513193); In silico analysis supports that this missense variant has a deleterious effect on protein structure/function; In silico analysis suggests this variant may impact gene splicing. In the absence of RNA/functional studies, the actual effect of this sequence change is unknown.; Also known as Y178C; This variant is associated with the following publications: (PMID: 22235133, 27513193)

Labcorp Genetics (formerly Invitae), Labcorp
Classification: Uncertain significance for Cryptosporidiosis-chronic cholangitis-liver disease syndrome. Last evaluated: 2022-06-27. Review status: criteria provided, single submitter. Criteria: Invitae Variant Classification Sherloc (09022015). Collection method: clinical testing. Allele origin: germline.
Comment: This sequence change replaces tyrosine, which is neutral and polar, with cysteine, which is neutral and slightly polar, at codon 156 of the IL21R protein (p.Tyr156Cys). This variant is present in population databases (rs745372589, gnomAD 0.01%). This variant has not been reported in the literature in individuals affected with IL21R-related conditions. ClinVar contains an entry for this variant (Variation ID: 225007). Algorithms developed to predict the effect of missense changes on protein structure and function (SIFT, PolyPhen-2, Align-GVGD) all suggest that this variant is likely to be disruptive. Algorithms developed to predict the effect of sequence changes on RNA splicing suggest that this variant may create or strengthen a splice site. In summary, the available evidence is currently insufficient to determine the role of this variant in disease. Therefore, it has been classified as a Variant of Uncertain Significance.

Revvity Omics, Revvity
Classification: Uncertain significance for Cryptosporidiosis-chronic cholangitis-liver disease syndrome. Last evaluated: 2020-02-14. Review status: criteria provided, single submitter. Criteria: ACMG Guidelines, 2015. Collection method: clinical testing. Allele origin: germline.

Ambry Genetics
Classification: Uncertain significance for Inborn genetic diseases. Last evaluated: 2015-12-21. Review status: criteria provided, single submitter. Criteria: Ambry exome assertion method (8-5-2015). Collection method: clinical testing. Allele origin: germline. Affected: yes. Observed: 1 variant allele.

Literature cited by the submitters: PubMed 22235133 (cited by Ambry Genetics).